The following is an entry in ClinVar:

NM_003673.4(TCAP):c.227G>A (p.Arg76His)

Gene: TCAP (titin-cap; plus strand). Cytogenetic location: 17q12.
Variant type: single nucleotide variant.
Coding change: c.227G>A on transcript NM_003673.4 (MANE Select); coding-DNA position 227, G replaced by A.
Protein change: p.Arg76His; replaces arginine 76 with histidine.
Molecular consequence: missense variant.
Genome position (GRCh38, 1-based): chr17:39,665,832, G>A. VCF-style: chr17-39665832-G-A. GRCh37 (hg19) VCF-style: chr17-37822085-G-A.
Other names: short protein forms R76H.
Identifiers: ClinVar variation 533541 (VCV000533541.11), dbSNP rs752435787, ClinGen allele CA8532882.

ClinVar aggregate classification (germline): Uncertain significance. Review status: criteria provided, multiple submitters, no conflicts (2 of 4 stars). 2 submissions from 2 submitters: Uncertain significance (2). Last evaluated 2025-12-23.

Conditions:
Cardiovascular phenotype. Identifiers: MedGen CN230736.
Hypertrophic cardiomyopathy 25 (CMH25). Also called: CARDIOMYOPATHY, FAMILIAL HYPERTROPHIC, 25. Identifiers: MedGen C4225408, MONDO:0011843, OMIM 607487.
Primary familial hypertrophic cardiomyopathy (HCM). Identifiers: Orphanet 99739, MedGen C0949658, MeSH D024741, MONDO:0024573. Inheritance: Various modes of inheritance.

Allele frequency attached by ClinVar (database versions not stated): gnomAD exomes below 0.00001; ExAC 0.00001; gnomAD 0.00001; TOPMed 0.00002.

Submissions (2):

Labcorp Genetics (formerly Invitae), Labcorp
Classification: Uncertain significance for Hypertrophic cardiomyopathy 25; Primary familial hypertrophic cardiomyopathy. Last evaluated: 2025-12-23. Review status: criteria provided, single submitter. Criteria: Invitae Variant Classification Sherloc (09022015). Collection method: clinical testing. Allele origin: germline.
Comment: This sequence change replaces arginine, which is basic and polar, with histidine, which is basic and polar, at codon 76 of the TCAP protein (p.Arg76His). The frequency data for this variant in the population databases is considered unreliable, as metrics indicate poor data quality at this position in the gnomAD database. This variant has not been reported in the literature in individuals affected with TCAP-related conditions. ClinVar contains an entry for this variant (Variation ID: 533541). An algorithm developed to predict the effect of missense changes on protein structure and function outputs the following: PolyPhen-2: "Benign". The histidine amino acid residue is found in multiple mammalian species, which suggests that this missense change does not adversely affect protein function. In summary, the available evidence is currently insufficient to determine the role of this variant in disease. Therefore, it has been classified as a Variant of Uncertain Significance.

Ambry Genetics
Classification: Uncertain significance for Cardiovascular phenotype. Last evaluated: 2024-04-23. Review status: criteria provided, single submitter. Criteria: Ambry Variant Classification Scheme 2023. Collection method: clinical testing. Allele origin: germline.